The following is an entry in ClinVar:

ClinVar aggregate classification (germline): Uncertain significance. Review status: criteria provided, multiple submitters, no conflicts (2 of 4 stars). 3 submissions from 3 submitters: Uncertain significance (3). Last evaluated 2025-09-28.

Conditions:
Hereditary pheochromocytoma and paraganglioma. Also called: Hereditary pheochromocytoma-paraganglioma; Hereditary paragangliomas and pheochromocytomas; Hereditary Paraganglioma-Pheochromocytoma Syndromes. Identifiers: Orphanet 29072, MedGen C4274332, MONDO:0017366.
Carney-Stratakis syndrome. Also called: PARAGANGLIOMA AND GASTROINTESTINAL STROMAL TUMOR. Identifiers: Orphanet 97286, MedGen C1847319, MONDO:0011740, OMIM 606864.
Cowden syndrome 3 (CWS3). Identifiers: Orphanet 201, MedGen CN166604, MONDO:0014045.
Pheochromocytoma. Also called: MAX-Related Hereditary Paraganglioma-Pheochromocytoma Syndrome. Identifiers: Orphanet 29072, MedGen C0031511, MONDO:0008233, OMIM 171300, HP:0002666.
Paragangliomas with sensorineural hearing loss. Identifiers: MedGen C1868633.
Mitochondrial complex 2 deficiency, nuclear type 3. Also called: MITOCHONDRIAL COMPLEX II DEFICIENCY, NUCLEAR TYPE 3. Identifiers: MedGen C5436934, MONDO:0030937, OMIM 619167.

Submissions (3):

Labcorp Genetics (formerly Invitae), Labcorp
Classification: Uncertain significance for Carney-Stratakis syndrome; Paragangliomas with sensorineural hearing loss; Pheochromocytoma; Cowden syndrome 3. Last evaluated: 2025-09-28. Review status: criteria provided, single submitter. Criteria: Invitae Variant Classification Sherloc (09022015). Collection method: clinical testing. Allele origin: germline.
Comment: This sequence change falls in intron 1 of the SDHD gene. It does not directly change the encoded amino acid sequence of the SDHD protein. This variant is present in population databases (no rsID available, gnomAD 0.0009%). This variant has not been reported in the literature in individuals affected with SDHD-related conditions. ClinVar contains an entry for this variant (Variation ID: 878533). Algorithms developed to predict the effect of sequence changes on RNA splicing suggest that this variant may disrupt the consensus splice site. In summary, the available evidence is currently insufficient to determine the role of this variant in disease. Therefore, it has been classified as a Variant of Uncertain Significance.

Baylor Genetics
Classification: Uncertain significance for Mitochondrial complex 2 deficiency, nuclear type 3. Last evaluated: 2023-05-11. Review status: criteria provided, single submitter. Criteria: ACMG Guidelines, 2015. Collection method: clinical testing. Allele origin: unknown.

Illumina Laboratory Services, Illumina
Classification: Uncertain significance for Hereditary Paraganglioma-Pheochromocytoma Syndromes. Last evaluated: 2018-01-13. Review status: criteria provided, single submitter. Criteria: ICSL Variant Classification Criteria 13 December 2019. Collection method: clinical testing. Allele origin: germline.

NM_003002.4(SDHD):c.53-6C>A

Gene: SDHD (succinate dehydrogenase complex subunit D; plus strand). Cytogenetic location: 11q23.1.
Variant type: single nucleotide variant.
Coding change: c.53-6C>A on transcript NM_003002.4 (MANE Select); 6 bases into the intron before coding-DNA position 53, C replaced by A.
Molecular consequence: intron variant.
Genome position (GRCh38, 1-based): chr11:112,087,851, C>A. VCF-style: chr11-112087851-C-A. GRCh37 (hg19) VCF-style: chr11-111958575-C-A.
Other names: c.53-6C>A (NM_001276506.2, NM_001276503.2); c.52+892C>A (NM_001276504.2).
Identifiers: ClinVar variation 878533 (VCV000878533.16), dbSNP rs757454290, ClinGen allele CA601744758.